The following is an entry in ClinVar:

ClinVar aggregate classification (germline): Uncertain significance. Review status: criteria provided, multiple submitters, no conflicts (2 of 4 stars). 3 submissions from 3 submitters: Uncertain significance (3). Last evaluated 2025-07-02.

Conditions:
Early-infantile DEE. Also called: Ohtahara syndrome; Early infantile epileptic encephalopathy; Early infantile epileptic encephalopathy with suppression bursts. Identifiers: Orphanet 1934, MedGen C0393706, MONDO:0800491.
Cognitive impairment with or without cerebellar ataxia (CIAT). Identifiers: MedGen C3280415, MONDO:0013680, OMIM 614306.

gnomAD v4.1: 11 of 1,614,004 alleles (0.00068%); highest among the groups gnomAD compares: South Asian, 0.0077%; no homozygotes.

Submissions (3):

Labcorp Genetics (formerly Invitae), Labcorp
Classification: Uncertain significance for Early-infantile DEE. Last evaluated: 2025-07-02. Review status: criteria provided, single submitter. Criteria: Invitae Variant Classification Sherloc (09022015). Collection method: clinical testing. Allele origin: germline.
Comment: This sequence change replaces threonine, which is neutral and polar, with alanine, which is neutral and non-polar, at codon 1921 of the SCN8A protein (p.Thr1921Ala). This variant is present in population databases (rs368796221, gnomAD 0.006%). This variant has not been reported in the literature in individuals affected with SCN8A-related conditions. ClinVar contains an entry for this variant (Variation ID: 1029255). Invitae Evidence Modeling of protein sequence and biophysical properties (such as structural, functional, and spatial information, amino acid conservation, physicochemical variation, residue mobility, and thermodynamic stability) indicates that this missense variant is not expected to disrupt SCN8A protein function with a negative predictive value of 95%. In summary, the available evidence is currently insufficient to determine the role of this variant in disease. Therefore, it has been classified as a Variant of Uncertain Significance.

Baylor Genetics
Classification: Uncertain significance for Cognitive impairment with or without cerebellar ataxia. Last evaluated: 2020-04-23. Review status: criteria provided, single submitter. Criteria: ACMG Guidelines, 2015. Collection method: clinical testing. Allele origin: unknown. Affected: yes.
Comment: This variant was determined to be of uncertain significance according to ACMG Guidelines, 2015 [PMID:25741868].

Breakthrough Genomics
Classification: Uncertain significance. Review status: criteria provided, single submitter. Criteria: ACMG Guidelines, 2015. Collection method: not provided. Allele origin: germline. Inheritance: Autosomal dominant inheritance. Affected: yes.

NM_001330260.2(SCN8A):c.5761A>G (p.Thr1921Ala)

Gene: SCN8A (sodium voltage-gated channel alpha subunit 8; plus strand). Cytogenetic location: 12q13.13.
Variant type: single nucleotide variant.
Coding change: c.5761A>G on transcript NM_001330260.2 (MANE Select); coding-DNA position 5761, A replaced by G.
Protein change: p.Thr1921Ala; replaces threonine 1921 with alanine.
Molecular consequence: missense variant.
Genome position (GRCh38, 1-based): chr12:51,807,247, A>G. VCF-style: chr12-51807247-A-G. GRCh37 (hg19) VCF-style: chr12-52201031-A-G.
Other names: c.5638A>G, p.Thr1880Ala (NM_001177984.3, NM_001369788.1); c.5761A>G, p.Thr1921Ala (NM_014191.4); short protein forms T1921A, T1880A.
Identifiers: ClinVar variation 1029255 (VCV001029255.9), dbSNP rs368796221, ClinGen allele CA6571951.
Genomic context (GRCh38, chr12:51,807,247, plus strand): 5'-GTCCTGCAGCGTGCCTACCGGGGACATTTGGCAAGGCGGGGCTTCATCTGCAAAAAGACA[A>G]CTTCTAATAAGCTGGAGAATGGAGGCACACACCGGGAGAAAAAAGAGAGCACCCCATCTA-3'
Protein context (NP_001317189.1, residues 1911-1931): ARRGFICKKT[Thr1921Ala]SNKLENGGTH